The following is an entry in ClinVar:

ClinVar aggregate classification (germline): Uncertain significance. Review status: criteria provided, multiple submitters, no conflicts (2 of 4 stars). 2 submissions from 2 submitters: Uncertain significance (2). Last evaluated 2024-10-23.

Conditions:
Autosomal recessive Robinow syndrome (RRS1). Also called: ROR2-Related Robinow Syndrome; ROBINOW SYNDROME, AUTOSOMAL RECESSIVE 1; COSTOVERTEBRAL SEGMENTATION DEFECT WITH MESOMELIA; COVESDEM SYNDROME. Identifiers: Orphanet 1507, Orphanet 97360, MedGen C5399974, MONDO:0009999, OMIM 268310.
Brachydactyly type B1 (BDB1). Identifiers: Orphanet 572385, Orphanet 93383, MedGen C1862112, MONDO:0007220, OMIM 113000.

Allele frequency attached by ClinVar (database versions not stated): gnomAD exomes 0.00001; ExAC 0.00002; TOPMed 0.00002; gnomAD 0.00003; ESP Exome Variant Server 0.00008.
gnomAD v4.1: 13 of 1,613,788 alleles (0.00081%); highest among the groups gnomAD compares: African/African-American, 0.0067%; no homozygotes.

Submissions (2):

Labcorp Genetics (formerly Invitae), Labcorp
Classification: Uncertain significance. Last evaluated: 2024-10-23. Review status: criteria provided, single submitter. Criteria: Invitae Variant Classification Sherloc (09022015). Collection method: clinical testing. Allele origin: germline.
Comment: This sequence change replaces proline, which is neutral and non-polar, with leucine, which is neutral and non-polar, at codon 439 of the ROR2 protein (p.Pro439Leu). This variant is present in population databases (rs140009769, gnomAD 0.02%). This variant has not been reported in the literature in individuals affected with ROR2-related conditions. Invitae Evidence Modeling of protein sequence and biophysical properties (such as structural, functional, and spatial information, amino acid conservation, physicochemical variation, residue mobility, and thermodynamic stability) indicates that this missense variant is not expected to disrupt ROR2 protein function with a negative predictive value of 80%. In summary, the available evidence is currently insufficient to determine the role of this variant in disease. Therefore, it has been classified as a Variant of Uncertain Significance.

Fulgent Genetics
Classification: Uncertain significance for Brachydactyly type B1; Autosomal recessive Robinow syndrome. Last evaluated: 2024-03-25. Review status: criteria provided, single submitter. Criteria: ACMG Guidelines, 2015. Collection method: clinical testing. Allele origin: germline.

NM_004560.4(ROR2):c.1316C>T (p.Pro439Leu)

Gene: ROR2 (receptor tyrosine kinase like orphan receptor 2; minus strand). Cytogenetic location: 9q22.31.
Variant type: single nucleotide variant.
Coding change: c.1316C>T on transcript NM_004560.4 (MANE Select); coding-DNA position 1316, C replaced by T.
Protein change: p.Pro439Leu; replaces proline 439 with leucine.
Molecular consequence: missense variant.
Genome position (GRCh38, 1-based): chr9:91,726,611, G>A on the plus strand (C>T on the coding strand, the complement: ROR2 is on the minus strand). VCF-style: chr9-91726611-G-A. GRCh37 (hg19) VCF-style: chr9-94488893-G-A.
Other names: c.1282C>T, p.Arg428Cys (NM_001318204.2); short protein forms P439L, R428C.
Identifiers: ClinVar variation 2995671 (VCV002995671.4), dbSNP rs140009769, ClinGen allele CA5120729.